The following is an entry in ClinVar:

ClinVar aggregate classification (germline): Benign/Likely benign. Review status: criteria provided, multiple submitters, no conflicts (2 of 4 stars). 4 submissions from 4 submitters: Benign (2); Likely benign (1). 1 of the submissions does not count toward it. Last evaluated 2026-02-03.

Conditions:
MYOM1-related disorder.
Hypertrophic cardiomyopathy. Also called: HYPERTROPHIC MYOCARDIOPATHY. Identifiers: Orphanet 217569, MedGen C0007194, MeSH D002312, MONDO:0005045, HP:0001639.

Allele frequency attached by ClinVar (database versions not stated): gnomAD 0.00535 and 0.00540; ESP Exome Variant Server 0.00553; 1000 Genomes Project 30x 0.00921; 1000 Genomes Project 0.00938; gnomAD exomes 0.00344; ExAC 0.00384; TOPMed 0.00524.
gnomAD v4.1: 3,294 of 1,613,614 alleles (0.2%); highest among the groups gnomAD compares: South Asian, 1.8%; 51 homozygotes.

Submissions (4):

Labcorp Genetics (formerly Invitae), Labcorp
Classification: Benign for Hypertrophic cardiomyopathy. Last evaluated: 2026-02-03. Review status: criteria provided, single submitter. Criteria: Invitae Variant Classification Sherloc (09022015). Collection method: clinical testing. Allele origin: germline.

Ambry Genetics
Classification: Likely benign. Last evaluated: 2022-05-17. Review status: criteria provided, single submitter. Criteria: Ambry Variant Classification Scheme 2023. Collection method: clinical testing. Allele origin: germline.

Laboratory for Molecular Medicine, Mass General Brigham Personalized Medicine
Classification: Benign. Last evaluated: 2014-11-24. Review status: criteria provided, single submitter. Criteria: LMM Criteria. Collection method: clinical testing. Allele origin: germline. Observed: 5 variant alleles.
Comment: Glu630Glu in exon 13 of MYOM1: This variant is not expected to have clinical sig nificance because it does not alter an amino acid residue and is not located wit hin the splice consensus sequence. It has been identified in 1.7% (71/4300) of A frican American chromosomes from a broad population by the NHLBI Exome Sequencin g Project (dbSNP rs36098676).

PreventionGenetics, part of Exact Sciences
Classification: Benign for MYOM1-related condition. Last evaluated: 2019-05-27. Review status: no assertion criteria provided. Collection method: clinical testing. Allele origin: germline. Not counted in ClinVar's aggregate classification.
Comment: This variant is classified as benign based on ACMG/AMP sequence variant interpretation guidelines (Richards et al. 2015 PMID: 25741868, with internal and published modifications).

NM_003803.4(MYOM1):c.1890G>A (p.Glu630=)

Gene: MYOM1 (myomesin 1; minus strand). Cytogenetic location: 18p11.31.
Variant type: single nucleotide variant.
Coding change: c.1890G>A on transcript NM_003803.4 (MANE Select); coding-DNA position 1890, G replaced by A.
Protein change: p.Glu630=; no amino-acid change (glutamic acid 630 retained).
Molecular consequence: synonymous variant.
Genome position (GRCh38, 1-based): chr18:3,149,155, C>T on the plus strand (G>A on the coding strand, the complement: MYOM1 is on the minus strand). VCF-style: chr18-3149155-C-T. GRCh37 (hg19) VCF-style: chr18-3149153-C-T.
Other names: c.1890G>A, p.Glu630= (NM_019856.2).
Identifiers: ClinVar variation 226807 (VCV000226807.22), dbSNP rs36098676, ClinGen allele CA8874818.